The following is an entry in ClinVar:

NM_001375567.1(FOCAD):c.2977C>T (p.Leu993Phe)

Gene: FOCAD (focadhesin; plus strand). Cytogenetic location: 9p21.3.
Variant type: single nucleotide variant.
Coding change: c.2977C>T on transcript NM_001375567.1 (MANE Select); coding-DNA position 2977, C replaced by T.
Protein change: p.Leu993Phe; replaces leucine 993 with phenylalanine.
Molecular consequence: missense variant.
Genome position (GRCh38, 1-based): chr9:20,926,316, C>T. VCF-style: chr9-20926316-C-T. GRCh37 (hg19) VCF-style: chr9-20926315-C-T.
Other names: c.2872C>T, p.Leu958Phe (NM_001375568.1, NM_001375570.1); c.2977C>T, p.Leu993Phe (NM_017794.5); short protein forms L993F, L958F.
Identifiers: ClinVar variation 3719199 (VCV003719199.2).
Genomic context (GRCh38, chr9:20,926,316, plus strand): 5'-ATTTGTTTTCTCTGTAATCATTTCATGTTTTTAATTCATCTGCAGGTTCAACCTAATTTC[C>T]TTTCAATGAAAGAGTGGGTTTCCATGGTACTTGATACACTCTTGGTCATTGTGGATAGCC-3'
Protein context (NP_001362496.1, residues 983-1003): DGLLEVQPNF[Leu993Phe]SMKEWVSMVL

ClinVar aggregate classification (germline): Uncertain significance (1 of 4 stars; one submission).

gnomAD v4.1: 5 of 1,608,590 alleles (0.00031%); highest among the groups gnomAD compares: East Asian, 0.0022%; no homozygotes.

Submission:

Labcorp Genetics (formerly Invitae), Labcorp
Classification: Uncertain significance. Last evaluated: 2024-10-06. Review status: criteria provided, single submitter. Criteria: Invitae Variant Classification Sherloc (09022015). Collection method: clinical testing. Allele origin: germline.
Comment: This sequence change replaces leucine, which is neutral and non-polar, with phenylalanine, which is neutral and non-polar, at codon 993 of the FOCAD protein (p.Leu993Phe). This variant is present in population databases (no rsID available, gnomAD 0.006%). This variant has not been reported in the literature in individuals affected with FOCAD-related conditions. Experimental studies and prediction algorithms are not available or were not evaluated, and the functional significance of this variant is currently unknown. In summary, the available evidence is currently insufficient to determine the role of this variant in disease. Therefore, it has been classified as a Variant of Uncertain Significance.